The following is an entry in ClinVar:

ClinVar aggregate classification (germline): Uncertain significance. Review status: reviewed by expert panel (3 of 4 stars). 6 submissions from 6 submitters: Uncertain significance (1). 5 of the submissions do not count toward it. Last evaluated 2021-05-07.

Conditions:
POLG-related disorder. Also called: POLG-Related Spectrum Disorders; POLG-related condition; POLG-Related Disorders. Identifiers: MedGen C4763519.
Mitochondrial disease. Also called: Mitochondrial disorders; Mitochondrial disorder. Identifiers: Orphanet 68380, MedGen C0751651, MeSH D028361, MONDO:0044970.
Progressive sclerosing poliodystrophy (MTDPS4A). Also called: ALPERS DIFFUSE DEGENERATION OF CEREBRAL GRAY MATTER WITH HEPATIC CIRRHOSIS; Mitochondrial DNA depletion syndrome 4A (Alpers type); Alpers Syndrome; Alpers-Huttenlocher Syndrome; Mitochondrial DNA Depletion Syndrome 4A; Alpers-Huttenlocher Syndrome (AHS). Identifiers: Orphanet 726, MedGen C0205710, MONDO:0008758, OMIM 203700.

Allele frequency attached by ClinVar (database versions not stated): TOPMed 0.00002; ExAC 0.00003; gnomAD 0.00003; gnomAD exomes 0.00003.

Submissions (6):

ClinGen Mitochondrial Disease Nuclear and Mitochondrial  Variant Curation Expert Panel, ClinGen
Classification: Uncertain significance for Mitochondrial disease. Last evaluated: 2021-05-07. Review status: reviewed by expert panel. Criteria: ClinGen Mito Disease ACMG Specifications v1. Collection method: curation. Allele origin: germline. Inheritance: Autosomal recessive inheritance.
Comment: The c.3293G>C (p.Ser1098Thr) variant in POLG is observed at an allele frequency of 0.003% in gnomAD (PM2). There is no prediction tool evidence available. In summary, there is not sufficient evidence to characterize this variant as pathogenic or benign, therefore it is characterized as a variant of uncertain significance for primary mitochondrial disease inherited in an autosomal recessive manner. ntDNA Mitochondrial ACMG-AMP Criteria for POLG applied: PM2, BP5.

GeneDx
Classification: Uncertain significance. Last evaluated: 2026-08-06. Review status: criteria provided, single submitter. Criteria: GeneDx Variant Classification Process June 2021. Collection method: clinical testing. Allele origin: germline. Not counted in ClinVar's aggregate classification.
Comment: Identified in a patient in the published literature with an almost lifelong action tremor, associated with peripheral neuropathy, progressive sensorineural hearing loss, abnormal brain imaging, and a strong family history of tremor (PMID: 23836942); A different missense variant involving the same codon, S1080I, was identified in a compound heterozygous state to L79F in two sisters in the published literature with epilepsy with adrenocortical insufficiency and hypothyroidy, cerebellar ataxia, and ptosis; the phase of these variants are unknown (PMID: 23921535); Not observed at significant frequency in large population cohorts (gnomAD); In silico analysis suggests that this missense variant does not alter protein structure/function; This variant is associated with the following publications: (PMID: 25906927, 32983930, 30894134, Betler2024[Review], 30451971, 23836942, 23921535)

Labcorp Genetics (formerly Invitae), Labcorp
Classification: Uncertain significance for Progressive sclerosing poliodystrophy. Last evaluated: 2025-10-10. Review status: criteria provided, single submitter. Criteria: Invitae Variant Classification Sherloc (09022015). Collection method: clinical testing. Allele origin: germline. Not counted in ClinVar's aggregate classification.
Comment: This sequence change replaces serine, which is neutral and polar, with threonine, which is neutral and polar, at codon 1080 of the POLG protein (p.Ser1080Thr). This variant is present in population databases (rs779956099, gnomAD 0.006%). This missense change has been observed in individual(s) with clinical features of POLG-related conditions (PMID: 23836942). ClinVar contains an entry for this variant (Variation ID: 206553). Invitae Evidence Modeling of protein sequence and biophysical properties (such as structural, functional, and spatial information, amino acid conservation, physicochemical variation, residue mobility, and thermodynamic stability) indicates that this missense variant is not expected to disrupt POLG protein function with a negative predictive value of 95%. In summary, the available evidence is currently insufficient to determine the role of this variant in disease. Therefore, it has been classified as a Variant of Uncertain Significance.

Mayo Clinic Laboratories, Mayo Clinic
Classification: Uncertain significance. Last evaluated: 2025-09-30. Review status: criteria provided, single submitter. Criteria: ACMG Guidelines, 2015. Collection method: clinical testing. Allele origin: germline. Observed: 2 variant alleles. Not counted in ClinVar's aggregate classification.
Comment: PM2_supporting

Athena Diagnostics
Classification: Uncertain significance. Last evaluated: 2023-06-30. Review status: criteria provided, single submitter. Criteria: Athena Diagnostics Criteria. Collection method: clinical testing. Allele origin: unknown. Not counted in ClinVar's aggregate classification.
Comment: Available data are insufficient to determine the clinical significance of the variant at this time. The frequency of this variant in the general population is uninformative in assessment of its pathogenicity. Computational tools predict that this variant is not damaging.

Illumina Laboratory Services, Illumina
Classification: Uncertain significance for POLG-Related Spectrum Disorders. Last evaluated: 2017-04-27. Review status: criteria provided, single submitter. Criteria: ICSL Variant Classification Criteria 13 December 2019. Collection method: clinical testing. Allele origin: germline. Not counted in ClinVar's aggregate classification.
Comment: This variant was observed as part of a predisposition screen in an ostensibly healthy population. A literature search was performed for the gene, cDNA change, and amino acid change (where applicable). Publications were found based on this search. However, the evidence from the literature, in combination with allele frequency data from public databases where available, was not sufficient to rule this variant in or out of causing disease. Therefore, this variant is classified as a variant of unknown significance.

Literature cited by the submitters: PubMed 23836942 (cited by 4 submitters); PubMed 25906927 (cited by Mayo Clinic Laboratories, Mayo Clinic); PubMed 30451971 (cited by Mayo Clinic Laboratories, Mayo Clinic); PubMed 30894134 (cited by Mayo Clinic Laboratories, Mayo Clinic); PubMed 32983930 (cited by Mayo Clinic Laboratories, Mayo Clinic).

NM_002693.3(POLG):c.3239G>C (p.Ser1080Thr)

Gene: POLG (DNA polymerase gamma, catalytic subunit; minus strand). Cytogenetic location: 15q26.1.
Variant type: single nucleotide variant.
Coding change: c.3239G>C on transcript NM_002693.3 (MANE Select); coding-DNA position 3239, G replaced by C.
Protein change: p.Ser1080Thr; replaces serine 1080 with threonine.
Molecular consequence: missense variant.
Genome position (GRCh38, 1-based): chr15:89,318,965, C>G on the plus strand (G>C on the coding strand, the complement: POLG is on the minus strand). VCF-style: chr15-89318965-C-G. GRCh37 (hg19) VCF-style: chr15-89862196-C-G.
Other names: p.S1080T:AGC>ACC; c.3239G>C (NM_002693.2); c.3239G>C, p.Ser1080Thr (NM_001126131.2); short protein forms S1080T.
Identifiers: ClinVar variation 206553 (VCV000206553.17), dbSNP rs779956099, ClinGen allele CA316750.